The following is an entry in ClinVar:

ClinVar aggregate classification (germline): Benign. Review status: criteria provided, multiple submitters, no conflicts (2 of 4 stars). 3 submissions from 3 submitters: Benign (3). Last evaluated 2019-04-24.

Conditions:
Holoprosencephaly 11 (HPE11). Identifiers: Orphanet 2162, MedGen C3280215, MONDO:0013642, OMIM 614226.

Allele frequency attached by ClinVar (database versions not stated): 1000 Genomes Project 0.02456; ESP Exome Variant Server 0.02606; 1000 Genomes Project 30x 0.02670; gnomAD 0.02397 and 0.02582; TOPMed 0.02740.
gnomAD v4.1: 6,505 of 1,236,600 alleles (0.53%); highest among the groups gnomAD compares: African/African-American, 8.2%; 236 homozygotes.

Submissions (3):

GeneDx
Classification: Benign. Last evaluated: 2019-04-24. Review status: criteria provided, single submitter. Criteria: GeneDx Variant Classification Process June 2021. Collection method: clinical testing. Allele origin: germline. Affected: yes.

Illumina Laboratory Services, Illumina
Classification: Benign for Holoprosencephaly 11. Last evaluated: 2018-01-13. Review status: criteria provided, single submitter. Criteria: ICSL Variant Classification Criteria 13 December 2019. Collection method: clinical testing. Allele origin: germline.
Comment: This variant was observed in the ICSL laboratory as part of a predisposition screen in an ostensibly healthy population. It had not been previously curated by ICSL or reported in the Human Gene Mutation Database (HGMD: prior to June 1st, 2018), and was therefore a candidate for classification through an automated scoring system. Utilizing variant allele frequency, disease prevalence and penetrance estimates, and inheritance mode, an automated score was calculated to assess if this variant is too frequent to cause the disease. Based on the score and internal cut-off values, a variant classified as benign is not then subjected to further curation. The score for this variant resulted in a classification of benign for this disease.

Breakthrough Genomics
Classification: Benign. Review status: criteria provided, single submitter. Criteria: ACMG Guidelines, 2015. Collection method: not provided. Allele origin: germline. Inheritance: Autosomal dominant inheritance. Affected: yes.

NM_001378964.1(CDON):c.-57C>T

Gene: CDON (cell adhesion associated, oncogene regulated; minus strand). Cytogenetic location: 11q24.2.
Variant type: single nucleotide variant.
Coding change: c.-57C>T on transcript NM_001378964.1 (MANE Select); 57 bases upstream of the start codon, C replaced by T.
Molecular consequence: 5 prime UTR variant.
Genome position (GRCh38, 1-based): chr11:126,023,533, G>A on the plus strand (C>T on the coding strand, the complement: CDON is on the minus strand). VCF-style: chr11-126023533-G-A. GRCh37 (hg19) VCF-style: chr11-125893428-G-A.
Other names: c.-57C>T (NM_001243597.3, NM_016952.6).
Identifiers: ClinVar variation 303528 (VCV000303528.9), dbSNP rs11829014, ClinGen allele CA10637831.
Genomic context (GRCh38, chr11:126,023,533, plus strand): 5'-GCATAGCGCCAGATTACAGAAGCAATCAGGACAGGCTTCCAGAGCAAAACCCAGTCCTTG[G>A]TTCACTAAAAAAGAAAAAGGAAAGAAAATCTAAACCATTGAAATCTTTCGTCTGAGCAGC-3'